The following is an entry in ClinVar:

NM_006269.2(RP1):c.3607A>G (p.Met1203Val)

Gene: RP1 (RP1 axonemal microtubule associated; plus strand). Cytogenetic location: 8q12.1.
Variant type: single nucleotide variant.
Coding change: c.3607A>G on transcript NM_006269.2 (MANE Select); coding-DNA position 3607, A replaced by G.
Protein change: p.Met1203Val; replaces methionine 1203 with valine.
Molecular consequence: missense variant. On other transcripts: intron variant (1).
Genome position (GRCh38, 1-based): chr8:54,627,489, A>G. VCF-style: chr8-54627489-A-G. GRCh37 (hg19) VCF-style: chr8-55540049-A-G.
Other names: c.787+5201A>G (NM_001375654.1); short protein forms M1203V.
Identifiers: ClinVar variation 2064967 (VCV002064967.4), dbSNP rs1475808861, ClinGen allele CA370996824.

ClinVar aggregate classification (germline): Uncertain significance (1 of 4 stars; one submission).

Allele frequency attached by ClinVar (database versions not stated): gnomAD exomes below 0.00001.

Submission:

Labcorp Genetics (formerly Invitae), Labcorp
Classification: Uncertain significance. Last evaluated: 2022-10-25. Review status: criteria provided, single submitter. Criteria: Invitae Variant Classification Sherloc (09022015). Collection method: clinical testing. Allele origin: germline.
Comment: This sequence change replaces methionine, which is neutral and non-polar, with valine, which is neutral and non-polar, at codon 1203 of the RP1 protein (p.Met1203Val). This variant is present in population databases (no rsID available, gnomAD 0.003%). This variant has not been reported in the literature in individuals affected with RP1-related conditions. Algorithms developed to predict the effect of missense changes on protein structure and function output the following: SIFT: "Tolerated"; PolyPhen-2: "Benign"; Align-GVGD: "Class C0". The valine amino acid residue is found in multiple mammalian species, which suggests that this missense change does not adversely affect protein function. In summary, the available evidence is currently insufficient to determine the role of this variant in disease. Therefore, it has been classified as a Variant of Uncertain Significance.